The following is an entry in ClinVar:

NM_001142800.2(EYS):c.478_479delinsTT (p.Pro160Leu)

Gene: EYS (eyes shut homolog; minus strand). Cytogenetic location: 6q12.
Variant type: Indel.
Coding change: c.478_479delinsTT on transcript NM_001142800.2 (MANE Select); coding-DNA positions 478 to 479, CC replaced by TT.
Protein change: p.Pro160Leu; replaces proline 160 with leucine.
Molecular consequence: missense variant.
Genome position (GRCh38, 1-based): chr6:65,494,932-65,494,933, GG replaced by AA on the plus strand (CC replaced by TT on the coding strand, the reverse complement: EYS is on the minus strand). VCF-style: chr6-65494932-GG-AA. GRCh37 (hg19) VCF-style: chr6-66204825-GG-AA.
Other names: c.478_479delinsTT, p.Pro160Leu (NM_001142801.2, NM_001292009.2, NM_198283.2); short protein forms P160L.
Identifiers: ClinVar variation 1514239 (VCV001514239.6), dbSNP rs2127271211, ClinGen allele CA2573141048.

ClinVar aggregate classification (germline): Uncertain significance (1 of 4 stars; one submission).

Submission:

Labcorp Genetics (formerly Invitae), Labcorp
Classification: Uncertain significance. Last evaluated: 2023-10-14. Review status: criteria provided, single submitter. Criteria: Invitae Variant Classification Sherloc (09022015). Collection method: clinical testing. Allele origin: germline.
Comment: This sequence change replaces proline, which is neutral and non-polar, with leucine, which is neutral and non-polar, at codon 160 of the EYS protein (p.Pro160Leu). Information on the frequency of this variant in the gnomAD database is not available, as this variant may be reported differently in the database. This variant has not been reported in the literature in individuals affected with EYS-related conditions. ClinVar contains an entry for this variant (Variation ID: 1514239). An algorithm developed to predict the effect of missense changes on protein structure and function (PolyPhen-2) suggests that this variant¬†is likely to be tolerated. In summary, the available evidence is currently insufficient to determine the role of this variant in disease. Therefore, it has been classified as a Variant of Uncertain Significance.